The following is an entry in ClinVar:

NM_001735.3(C5):c.892C>T (p.Gln298Ter)

Gene: C5 (complement C5; minus strand). Cytogenetic location: 9q33.2.
Variant type: single nucleotide variant.
Coding change: c.892C>T on transcript NM_001735.3 (MANE Select); coding-DNA position 892, C replaced by T.
Protein change: p.Gln298Ter; replaces glutamine 298 with a stop codon.
Molecular consequence: nonsense.
Genome position (GRCh38, 1-based): chr9:121,025,562, G>A on the plus strand (C>T on the coding strand, the complement: C5 is on the minus strand). VCF-style: chr9-121025562-G-A. GRCh37 (hg19) VCF-style: chr9-123787840-G-A.
Other names: c.910C>T, p.Gln304Ter (NM_001317163.2); c.892C>T, p.Gln298Ter (NM_001317164.2); short protein forms Q298*, Q304*.
Identifiers: ClinVar variation 4709688 (VCV004709688.1).
Genomic context (GRCh38, chr9:121,025,562, plus strand): 5'-AATCTTCTAAACTGTAGTATGACAGTTCTTTGACTGCTGTTTCAGAATCAAATGTGACTT[G>A]AGCAATTCCATTTATCAACTTTTTAAAAGGAGAAAAAGGAGGAGTTATTTCGGAGAAGAA-3'

ClinVar aggregate classification (germline): Pathogenic (1 of 4 stars; one submission).

gnomAD v4.1: 11 of 1,612,414 alleles (0.00068%); highest among the groups gnomAD compares: Non-Finnish European, 0.00085%; no homozygotes.

Submission:

Labcorp Genetics (formerly Invitae), Labcorp
Classification: Pathogenic. Last evaluated: 2025-10-03. Review status: criteria provided, single submitter. Criteria: Invitae Variant Classification Sherloc (09022015). Collection method: clinical testing. Allele origin: germline.
Comment: This sequence change creates a premature translational stop signal (p.Gln298*) in the C5 gene. It is expected to result in an absent or disrupted protein product. Loss-of-function variants in C5 are known to be pathogenic (PMID: 7730648, 19414197, 27026170). This variant is present in population databases (rs149346283, gnomAD 0.0009%). This premature translational stop signal has been observed in individual(s) with C5 deficiency (PMID: 19414197). For these reasons, this variant has been classified as Pathogenic.

Literature cited by the submitters: PubMed 7730648; PubMed 19414197; PubMed 27026170.